The following is an entry in ClinVar:

ClinVar aggregate classification (germline): Uncertain significance (1 of 4 stars; one submission).

Conditions:
Intellectual developmental disorder, autosomal dominant 1. Also called: MBD5 Haploinsufficiency; Intellectual disability, autosomal dominant 1. Identifiers: Orphanet 228402, MedGen C1969562, MONDO:0007974, OMIM 156200.

Submission:

Labcorp Genetics (formerly Invitae), Labcorp
Classification: Uncertain significance for Intellectual developmental disorder, autosomal dominant 1. Last evaluated: 2023-11-17. Review status: criteria provided, single submitter. Criteria: Invitae Variant Classification Sherloc (09022015). Collection method: clinical testing. Allele origin: germline.
Comment: This sequence change replaces asparagine, which is neutral and polar, with serine, which is neutral and polar, at codon 604 of the MBD5 protein (p.Asn604Ser). This variant is not present in population databases (gnomAD no frequency). This variant has not been reported in the literature in individuals affected with MBD5-related conditions. Advanced modeling of protein sequence and biophysical properties (such as structural, functional, and spatial information, amino acid conservation, physicochemical variation, residue mobility, and thermodynamic stability) performed at Invitae indicates that this missense variant is not expected to disrupt MBD5 protein function with a negative predictive value of 80%. In summary, the available evidence is currently insufficient to determine the role of this variant in disease. Therefore, it has been classified as a Variant of Uncertain Significance.

NM_001378120.1(MBD5):c.1811A>G (p.Asn604Ser)

Gene: MBD5 (methyl-CpG binding domain protein 5; plus strand). Cytogenetic location: 2q23.1.
Variant type: single nucleotide variant.
Coding change: c.1811A>G on transcript NM_001378120.1 (MANE Select); coding-DNA position 1811, A replaced by G.
Protein change: p.Asn604Ser; replaces asparagine 604 with serine.
Molecular consequence: missense variant.
Genome position (GRCh38, 1-based): chr2:148,469,754, A>G. VCF-style: chr2-148469754-A-G. GRCh37 (hg19) VCF-style: chr2-149227323-A-G.
Other names: c.1811A>G, p.Asn604Ser (NM_018328.5); short protein forms N604S.
Identifiers: ClinVar variation 3006453 (VCV003006453.3), dbSNP rs2469869443, ClinGen allele CA348720494.
Genomic context (GRCh38, chr2:148,469,754, plus strand): 5'-CCAAAGCACAGCTAGCAAATCAAAACAAACTTGCTGGTAACAACAGTAGCAGCAGTAGCA[A>G]TTCTGGAGCTGTTGCCGGCAGTGGCAACACTGAAGGACATAGCACTTTAAACACCATGTT-3'
Protein context (NP_001365049.1, residues 594-614): LAGNNSSSSS[Asn604Ser]SGAVAGSGNT